The following is an entry in ClinVar:

ClinVar aggregate classification (germline): Pathogenic. Review status: practice guideline (4 of 4 stars). 36 submissions from 35 submitters: Pathogenic (1). 35 of the submissions do not count toward it. Last evaluated 2004-03-03.

Conditions:
CFTR-related disorder (CFTR-RD). Also called: CFTR-related disorders; CFTR-related condition. Identifiers: MedGen C5924204, MONDO:7770004.
Cystic fibrosis (CF). Also called: MUCOVISCIDOSIS. Identifiers: Orphanet 586, MedGen C0010674, MONDO:0009061, OMIM 219700. Disease mechanism: loss of function.
Congenital bilateral aplasia of vas deferens from CFTR mutation (CBAVD). Identifiers: Orphanet 48, MedGen C0403814, MONDO:0010178, OMIM 277180. Disease mechanism: loss of function.
Hereditary pancreatitis (PCTT). Also called: Hereditary chronic pancreatitis; PRSS1-Related Hereditary Pancreatitis. Identifiers: Orphanet 676, MedGen C0238339, MONDO:0008185, OMIM 167800.
Bronchiectasis with or without elevated sweat chloride 1 (BESC1). Also called: Cystic Fibrosis-Like Syndrome. Identifiers: Orphanet 60033, MedGen C2749757, MONDO:0008887, OMIM 211400.

Allele frequency attached by ClinVar (database versions not stated): gnomAD 0.00008; TOPMed 0.00008; ExAC 0.00009; gnomAD exomes 0.00015 and 0.00007; 1000 Genomes Project 30x 0.00031; 1000 Genomes Project 0.00040.
gnomAD v4.1: 224 of 1,586,158 alleles (0.014%); highest among the groups gnomAD compares: Non-Finnish European, 0.019%; no homozygotes.

Submissions 1 to 11 of 36:

American College of Medical Genetics and Genomics  (ACMG)
Classification: Pathogenic for Cystic fibrosis. Last evaluated: 2004-03-03. Review status: practice guideline. Criteria: Guideline for cystic fibrosis carrier screening. Collection method: curation. Allele origin: germline. Inheritance: Autosomal recessive inheritance. Study: The ACMG recommended carrier screening panel.
ClinVar note: Converted during submission from pathogenic to Pathogenic.

CFTR2
Classification: Pathogenic for Cystic fibrosis. Last evaluated: 2017-03-17. Review status: reviewed by expert panel. Criteria: Sosnay PR et al. (Nat Genet 2013). Collection method: research. Allele origin: germline. Affected: yes. Study: CFTR2. Not counted in ClinVar's aggregate classification.

PreventionGenetics, part of Exact Sciences
Classification: Pathogenic for CFTR-related condition. Last evaluated: 2026-03-22. Review status: criteria provided, single submitter. Criteria: ACMG Guidelines, 2015. Collection method: clinical testing. Allele origin: germline. Not counted in ClinVar's aggregate classification.
Comment: The CFTR c.1585-1G>A variant is predicted to disrupt the AG splice acceptor site and interfere with normal splicing. This variant, previously described as c.1717-1G>A, is known to be causative for cystic fibrosis (see for example: Kerem et al. 1990. PubMed ID: 2236053; Sosnay et al. 2013. PubMed ID: 23974870). This variant is reported in 0.015% of alleles in individuals of European (Non-Finnish) descent in gnomAD. Variants that disrupt the consensus splice acceptor site in CFTR are expected to be pathogenic. This variant is interpreted as pathogenic.

Women's Health and Genetics/Laboratory Corporation of America, LabCorp
Classification: Pathogenic for Cystic fibrosis. Last evaluated: 2026-01-30. Review status: criteria provided, single submitter. Criteria: LabCorp Variant Classification Summary - May 2015. Collection method: clinical testing. Allele origin: germline. Not counted in ClinVar's aggregate classification.
Comment: Variant summary: CFTR c.1585-1G>A is located in a canonical splice-site and is predicted to affect mRNA splicing resulting in a significantly altered protein due to either exon skipping, shortening, or inclusion of intronic material. Variants that disrupt the consensus splice site are a relatively common cause of aberrant splicing and loss of CFTR function. At least one publication reports experimental evidence that this variant affects mRNA splicing (Sosnay_2013). The variant allele was found at a frequency of 7.2e-05 in 250906 control chromosomes. c.1585-1G>A has been observed in multiple individuals affected with Classic Cystic Fibrosis. These data indicate that the variant is very likely to be associated with disease. ClinVar contains an entry for this variant (Variation ID: 7112). Based on the evidence outlined above, the variant was classified as pathogenic.

Labcorp Genetics (formerly Invitae), Labcorp
Classification: Pathogenic for Cystic fibrosis. Last evaluated: 2026-01-29. Review status: criteria provided, single submitter. Criteria: Invitae Variant Classification Sherloc (09022015). Collection method: clinical testing. Allele origin: germline. Not counted in ClinVar's aggregate classification.
Comment: This sequence change affects an acceptor splice site in intron 11 of the CFTR gene. It is expected to disrupt RNA splicing. Variants that disrupt the donor or acceptor splice site typically lead to a loss of protein function (PMID: 16199547), and loss-of-function variants in CFTR are known to be pathogenic (PMID: 1695717, 7691345, 9725922). This variant is present in population databases (rs76713772, gnomAD 0.02%). Disruption of this splice site has been observed in individuals with cystic fibrosis, and is included in the American College of Medical Genetics (ACMG) panel of CF variants (PMID: 15371902, 23974870). This variant is also known as 1717-1G>A. ClinVar contains an entry for this variant (Variation ID: 7112). Algorithms developed to predict the effect of sequence changes on RNA splicing suggest that this variant may disrupt the consensus splice site. For these reasons, this variant has been classified as Pathogenic.

Institute of Immunology and Genetics Kaiserslautern
Classification: Pathogenic for Cystic fibrosis. Last evaluated: 2026-01-13. Review status: criteria provided, single submitter. Criteria: ACMG Guidelines, 2015. Collection method: clinical testing. Allele origin: germline. Affected: yes. Not counted in ClinVar's aggregate classification.
Comment: ACMG Criteria: PVS1, PS4, PM2_P, PM3; Variant was found in heterozygous state.

Genetic Services Laboratory, University of Chicago
Classification: Pathogenic. Last evaluated: 2025-10-15. Review status: criteria provided, single submitter. Criteria: ACMG Guidelines, 2015. Collection method: clinical testing. Allele origin: germline. Not counted in ClinVar's aggregate classification.
Comment: The c.1585-1G>A variant: Is located in the canonical splice acceptor site of intron 11. Is predicted to affect normal splicing of the CFTR gene and result in an abnormal protein. Has been demonstrated by functional analyses to result in skipping of exon 12 (PMID: 7689009, 23974870, 25066652). Has been previously described in multiple individuals with CFTR-related disorders (PMID: 7689009, 2236053, 2210769, 1757966, 34996830). Is reported in the gnomAD v4 database with a frequency of 0.018% in the non-Finnish European subpopulation (dbSNP rs76713772). ClinVar contains an entry for this variant (Variation ID: 7112). This variant has been reviewed by the CFTR2 Expert Panel and is rated as pathogenic. Collectively, this evidence indicates that this variant is pathogenic.

Dasa
Classification: Pathogenic. Last evaluated: 2025-10-13. Review status: criteria provided, single submitter. Criteria: DASA Assertion Criteria. Collection method: clinical testing. Allele origin: germline. Not counted in ClinVar's aggregate classification.
Comment: NM_000492.4(CFTR):c.1585-1G>A introduces a premature termination codon predicted to result in loss of normal protein function. Loss-of-function is an established mechanism of disease for this gene. This variant has been observed in affected individuals with related phenotype in a genotype context consistent with recessive disease (PMID: 25066652; PMID: 7689009; PMID: 26708955; PMID: 12000363; PMID: 28603918). Functional evidence supports a deleterious effect on the gene or gene product (PMID: 25066652; PMID: 7689009; PMID: 26708955; PMID: 12000363; PMID: 28603918). This variant has been recurrently observed in individuals with related phenotype (PMID: 25066652; PMID: 7689009; PMID: 26708955; PMID: 12000363; PMID: 28603918). The variant is present at low frequency in population datasets. Based on the available data, this variant is classified as pathogenic.

Rare Kidney Stone Consortium and the Mayo Clinic Hyperoxaluria Center, Mayo Clinic
Classification: Pathogenic for Bronchiectasis with or without elevated sweat chloride 1; Hereditary pancreatitis; Congenital bilateral aplasia of vas deferens from CFTR mutation; Cystic fibrosis. Last evaluated: 2025-10-03. Review status: criteria provided, single submitter. Criteria: ACMG Guidelines, 2015. Collection method: research. Allele origin: germline. Observed: 1 variant allele. Not counted in ClinVar's aggregate classification.
Comment: ACMG:PS3, PVS1, PM2, PP5

Natera, Inc.
Classification: Pathogenic for CFTR-related disorders. Last evaluated: 2025-07-17. Review status: criteria provided, single submitter. Criteria: Natera Variant Classification Schema (03/2026). Collection method: clinical testing. Allele origin: germline. Not counted in ClinVar's aggregate classification.
Comment: The c.1585-1G>A variant in CFTR is a canonical splice acceptor site variant predicted to affect pre-mRNA splicing, which may result in an abnormal transcript and altered protein product. This variant is expected to result in nonsense mediated decay, truncation, or a dysfunctional protein product. This variant is rare in the general population with a frequency below the threshold expected for the associated phenotype(s). This variant has been observed in one or more individuals affected with the associated recessive disease, as either homozygous or compound heterozygous with a second variant (PMID: 25688174, 16046196, 25583415). Given the available evidence, this variant is classified as Pathogenic.

Blueprint Genetics
Classification: Pathogenic for CFTR-related disorders. Last evaluated: 2024-08-08. Review status: criteria provided, single submitter. Criteria: ACMG Guidelines, 2015. Collection method: clinical testing. Allele origin: germline. Affected: yes. Observed: 5 variant alleles. Not counted in ClinVar's aggregate classification.

NM_000492.4(CFTR):c.1585-1G>A

Genes: CFTR (CF transmembrane conductance regulator; plus strand), LOC111674475 (CFTR intron 11 enhancer; plus strand). Cytogenetic location: 7q31.2.
Variant type: single nucleotide variant.
Coding change: c.1585-1G>A on transcript NM_000492.4 (MANE Select); the canonical splice acceptor site of the intron before coding-DNA position 1585, G replaced by A.
Molecular consequence: splice acceptor variant.
Genome position (GRCh38, 1-based): chr7:117,587,738, G>A. VCF-style: chr7-117587738-G-A. GRCh37 (hg19) VCF-style: chr7-117227792-G-A.
Other names: 1717-1G->A; 1717-1>A; IVS10, G-A, -1; 1717-1G>A.
Identifiers: ClinVar variation 7112 (VCV000007112.116), dbSNP rs76713772, ClinGen allele CA340632.
Genomic context (GRCh38, chr7:117,587,738, plus strand): 5'-CTTTCAAATTCAGATTGAGCATACTAAAAGTGACTCTCTAATTTTCTATTTTTGGTAATA[G>A]GACATCTCCAAGTTTGCAGAGAAAGACAATATAGTTCTTGGAGAAGGTGGAATCACACTG-3'